The following is an entry in ClinVar:

NM_018685.5(ANLN):c.1126C>T (p.Arg376Cys)

Gene: ANLN (anillin, actin binding protein; plus strand). Cytogenetic location: 7p14.2.
Variant type: single nucleotide variant.
Coding change: c.1126C>T on transcript NM_018685.5 (MANE Select); coding-DNA position 1126, C replaced by T.
Protein change: p.Arg376Cys; replaces arginine 376 with cysteine.
Molecular consequence: missense variant.
Genome position (GRCh38, 1-based): chr7:36,410,543, C>T. VCF-style: chr7-36410543-C-T. GRCh37 (hg19) VCF-style: chr7-36450152-C-T.
Other names: c.1126C>T (NM_018685.2, NM_018685.4); c.1126C>T, p.Arg376Cys (NM_001284301.3, NM_001284302.3); short protein forms R376C.
Identifiers: ClinVar variation 1415261 (VCV001415261.10), dbSNP rs559978701, ClinGen allele CA4219515.

ClinVar aggregate classification (germline): Uncertain significance. Review status: criteria provided, multiple submitters, no conflicts (2 of 4 stars). 3 submissions from 3 submitters: Uncertain significance (3). Last evaluated 2026-02-05.

Conditions:
ANLN-related disorder. Also called: ANLN-related condition.

Allele frequency attached by ClinVar (database versions not stated): gnomAD 0.00001 and 0.00003; gnomAD exomes 0.00004 and 0.00008; ExAC 0.00007; 1000 Genomes Project 0.00020; 1000 Genomes Project 30x 0.00031.
gnomAD v4.1: 63 of 1,610,512 alleles (0.0039%); highest among the groups gnomAD compares: South Asian, 0.05%; 1 homozygote.

Submissions (3):

PreventionGenetics, part of Exact Sciences
Classification: Uncertain significance for ANLN-related condition. Last evaluated: 2026-02-05. Review status: criteria provided, single submitter. Criteria: ACMG Guidelines, 2015. Collection method: clinical testing. Allele origin: germline.
Comment: The ANLN c.1126C>T variant is predicted to result in the amino acid substitution p.Arg376Cys. To our knowledge, this variant has not been reported in the literature. This variant is reported in 0.057% of alleles in individuals of South Asian descent in gnomAD. Although we suspect that this variant may be benign, at this time, the clinical significance of this variant is uncertain due to the absence of conclusive functional and genetic evidence.

Ambry Genetics
Classification: Uncertain significance. Last evaluated: 2025-10-18. Review status: criteria provided, single submitter. Criteria: Ambry Variant Classification Scheme 2023. Collection method: clinical testing. Allele origin: germline.

Labcorp Genetics (formerly Invitae), Labcorp
Classification: Uncertain significance. Last evaluated: 2021-07-15. Review status: criteria provided, single submitter. Criteria: Invitae Variant Classification Sherloc (09022015). Collection method: clinical testing. Allele origin: germline.
Comment: In summary, the available evidence is currently insufficient to determine the role of this variant in disease. Therefore, it has been classified as a Variant of Uncertain Significance. Algorithms developed to predict the effect of missense changes on protein structure and function are either unavailable or do not agree on the potential impact of this missense change (SIFT: "Deleterious"; PolyPhen-2: "Probably Damaging"; Align-GVGD: "Class C15"). This variant has not been reported in the literature in individuals affected with ANLN-related conditions. This sequence change replaces arginine with cysteine at codon 376 of the ANLN protein (p.Arg376Cys). The arginine residue is moderately conserved and there is a large physicochemical difference between arginine and cysteine. This variant is present in population databases (rs559978701, ExAC 0.05%), and has an allele count higher than expected for a pathogenic variant (PMID: 28166811).

Literature cited by the submitters: PubMed 28166811 (cited by Labcorp Genetics (formerly Invitae), Labcorp).